The following is an entry in ClinVar:

ClinVar aggregate classification (germline): Uncertain significance (1 of 4 stars; one submission).

Submission:

Labcorp Genetics (formerly Invitae), Labcorp
Classification: Uncertain significance. Last evaluated: 2022-08-16. Review status: criteria provided, single submitter. Criteria: Invitae Variant Classification Sherloc (09022015). Collection method: clinical testing. Allele origin: germline.
Comment: In summary, the available evidence is currently insufficient to determine the role of this variant in disease. Therefore, it has been classified as a Variant of Uncertain Significance. Algorithms developed to predict the effect of sequence changes on RNA splicing suggest that this variant may create or strengthen a splice site. This variant has not been reported in the literature in individuals affected with LIG1-related conditions. This variant is not present in population databases (gnomAD no frequency). This sequence change creates a premature translational stop signal (p.Tyr567*) in the LIG1 gene. It is expected to result in an absent or disrupted protein product. However, the current clinical and genetic evidence is not sufficient to establish whether loss-of-function variants in LIG1 cause disease.

NM_000234.3(LIG1):c.1701C>G (p.Tyr567Ter)

Gene: LIG1 (DNA ligase 1; minus strand). Cytogenetic location: 19q13.33.
Variant type: single nucleotide variant.
Coding change: c.1701C>G on transcript NM_000234.3 (MANE Select); coding-DNA position 1701, C replaced by G.
Protein change: p.Tyr567Ter; replaces tyrosine 567 with a stop codon.
Molecular consequence: nonsense. On other transcripts: non-coding transcript variant (6).
Genome position (GRCh38, 1-based): chr19:48,133,006, G>C on the plus strand (C>G on the coding strand, the complement: LIG1 is on the minus strand). VCF-style: chr19-48133006-G-C. GRCh37 (hg19) VCF-style: chr19-48636263-G-C.
Other names: c.1608C>G, p.Tyr536Ter (NM_001289063.2); c.1497C>G, p.Tyr499Ter (NM_001289064.2); c.1698C>G, p.Tyr566Ter (NM_001320970.2); c.1611C>G, p.Tyr537Ter (NM_001320971.2); short protein forms Y537*, Y499*, Y536*, Y566*, Y567*.
Identifiers: ClinVar variation 2079051 (VCV002079051.4), dbSNP rs2514079629, ClinGen allele CA406647216.